The following is an entry in ClinVar:

NM_015015.3(KDM4B):c.1551G>A (p.Glu517=)

Gene: KDM4B (lysine demethylase 4B; plus strand). Cytogenetic location: 19p13.3.
Variant type: single nucleotide variant.
Coding change: c.1551G>A on transcript NM_015015.3 (MANE Select); coding-DNA position 1551, G replaced by A.
Protein change: p.Glu517=; no amino-acid change (glutamic acid 517 retained).
Molecular consequence: synonymous variant.
Genome position (GRCh38, 1-based): chr19:5,131,311, G>A. VCF-style: chr19-5131311-G-A. GRCh37 (hg19) VCF-style: chr19-5131322-G-A.
Other names: c.1653G>A, p.Glu551= (NM_001411148.1).
Identifiers: ClinVar variation 2649101 (VCV002649101.25), dbSNP rs59794955, ClinGen allele CA9107871.

ClinVar aggregate classification (germline): Likely benign. Review status: criteria provided, multiple submitters, no conflicts (2 of 4 stars). 2 submissions from 2 submitters: Likely benign (2). Last evaluated 2026-07-01.

Allele frequency attached by ClinVar (database versions not stated): gnomAD exomes 0.00031; ExAC 0.00098; gnomAD 0.00255; 1000 Genomes Project 0.00260; ESP Exome Variant Server 0.00293; 1000 Genomes Project 30x 0.00312; TOPMed 0.00316.
gnomAD v4.1: 866 of 1,612,304 alleles (0.054%); highest among the groups gnomAD compares: African/African-American, 0.93%; 5 homozygotes.

Submissions (2):

CeGaT Center for Human Genetics Tuebingen
Classification: Likely benign. Last evaluated: 2026-07-01. Review status: criteria provided, single submitter. Criteria: CeGaT Center For Human Genetics Tuebingen Variant Classification Criteria Version 2. Collection method: clinical testing. Allele origin: germline. Affected: yes. Observed: 5 variant alleles.
Comment: KDM4B: BP4, BP7, BS1

Blueprint Genetics
Classification: Likely benign. Last evaluated: 2024-11-11. Review status: criteria provided, single submitter. Criteria: ACMG Guidelines, 2015. Collection method: clinical testing. Allele origin: germline.